The following is an entry in ClinVar:

NM_000883.4(IMPDH1):c.662G>A (p.Arg221Gln)

Gene: IMPDH1 (inosine monophosphate dehydrogenase 1; minus strand). Cytogenetic location: 7q32.1.
Variant type: single nucleotide variant.
Coding change: c.662G>A on transcript NM_000883.4 (MANE Select); coding-DNA position 662, G replaced by A.
Protein change: p.Arg221Gln; replaces arginine 221 with glutamine.
Molecular consequence: missense variant.
Genome position (GRCh38, 1-based): chr7:128,400,457, C>T on the plus strand (G>A on the coding strand, the complement: IMPDH1 is on the minus strand). VCF-style: chr7-128400457-C-T. GRCh37 (hg19) VCF-style: chr7-128040511-C-T.
Other names: c.632G>A, p.Arg211Gln (NM_001102605.2); c.407G>A, p.Arg136Gln (NM_001142573.2); c.392G>A, p.Arg131Gln (NM_001142574.2); c.332G>A, p.Arg111Gln (NM_001142575.2); c.563G>A, p.Arg188Gln (NM_001142576.2); c.455G>A, p.Arg152Gln (NM_001304521.2); c.554G>A, p.Arg185Gln (NM_183243.3); short protein forms R111Q, R131Q, R136Q, R152Q, R185Q, R188Q, R211Q, R221Q.
Identifiers: ClinVar variation 1806065 (VCV001806065.7), dbSNP rs1216059194, ClinGen allele CA369173729.

ClinVar aggregate classification (germline): Uncertain significance. Review status: criteria provided, multiple submitters, no conflicts (2 of 4 stars). 3 submissions from 3 submitters: Uncertain significance (2). 1 of the submissions does not count toward it. Last evaluated 2023-11-10.

Conditions:
Retinitis pigmentosa 10 (RP10). Identifiers: Orphanet 791, MedGen C1867299, MONDO:0008379, OMIM 180105.
IMPDH1-related disorder. Also called: IMPDH1-related disorders; IMPDH1-related condition.

Allele frequency attached by ClinVar (database versions not stated): gnomAD 0.00001; gnomAD exomes 0.00002.
gnomAD v4.1: 35 of 1,612,280 alleles (0.0022%); highest among the groups gnomAD compares: African/African-American, 0.0053%; no homozygotes.

Submissions (3):

Labcorp Genetics (formerly Invitae), Labcorp
Classification: Uncertain significance. Last evaluated: 2023-11-10. Review status: criteria provided, single submitter. Criteria: Invitae Variant Classification Sherloc (09022015). Collection method: clinical testing. Allele origin: germline.
Comment: This sequence change replaces arginine, which is basic and polar, with glutamine, which is neutral and polar, at codon 221 of the IMPDH1 protein (p.Arg221Gln). This variant is present in population databases (no rsID available, gnomAD 0.0009%). This variant has not been reported in the literature in individuals affected with IMPDH1-related conditions. ClinVar contains an entry for this variant (Variation ID: 1806065). Algorithms developed to predict the effect of missense changes on protein structure and function output the following: SIFT: "Not Available"; PolyPhen-2: "Benign"; Align-GVGD: "Not Available". The glutamine amino acid residue is found in multiple mammalian species, which suggests that this missense change does not adversely affect protein function. In summary, the available evidence is currently insufficient to determine the role of this variant in disease. Therefore, it has been classified as a Variant of Uncertain Significance.

Victorian Clinical Genetics Services, Murdoch Childrens Research Institute
Classification: Uncertain significance for Retinitis pigmentosa 10. Last evaluated: 2020-05-26. Review status: criteria provided, single submitter. Criteria: ACMG Guidelines, 2015. Collection method: clinical testing. Allele origin: germline. Inheritance: Autosomal dominant inheritance. Affected: yes.
Comment: Based on the classification scheme VCGS_Germline_v1.1.1, this variant is classified as 3C-VUS. Following criteria are met: 0102 - Loss-of-function is a likely mechanism of disease for this gene. In vitro assays demonstrated loss in nucleic acid binding, not enzymatic activities of the mutant protein (PMID: 16384941 ). (N) 0107 - This gene is known to be associated with autosomal dominant disease. (N) 0200 - Variant is predicted to result in a missense amino acid change from arginine to glutamine (exon 8) (N) 0251 - Variant is heterozygous. (N) 0302 - Variant is present in gnomAD <0.001 for a dominant condition (1 heterozygote, 0 homozygotes). (P) 0309 - An alternative amino acid change at the same position has been observed in gnomAD (4 heterozygotes, 0 homozygotes). (N) 0504 - Same amino acid change has been observed in mammals. (B) 0600 - Variant is located in an annotated domain or motif. In the CBS domain (PDB). (N) 0705 - No comparable variants have previous evidence for pathogenicity. (N) 0807 - Variant has not previously been reported in a clinical context. (N) 0905 - No segregation evidence has been identified for this variant. (N) 1007 - No published functional evidence has been identified for this variant. (N) 1208 - Inheritance information for this variant is not currently available. (N) Legend: (P) - Pathogenic, (N) - Neutral, (B) - Benign

PreventionGenetics, part of Exact Sciences
Classification: Uncertain significance for IMPDH1-related condition. Last evaluated: 2024-08-16. Review status: no assertion criteria provided. Collection method: clinical testing. Allele origin: germline. Not counted in ClinVar's aggregate classification.
Comment: The IMPDH1 c.662G>A variant is predicted to result in the amino acid substitution p.Arg221Gln. To our knowledge, this variant has not been reported in the literature. This variant is reported in 0.00089% of alleles in individuals of European (Non-Finnish) descent in gnomAD. At this time, the clinical significance of this variant is uncertain due to the absence of conclusive functional and genetic evidence.

Literature cited by the submitters: PubMed 16384941 (cited by Victorian Clinical Genetics Services, Murdoch Childrens Research Institute).